The following is an entry in ClinVar:

ClinVar aggregate classification (germline): Likely pathogenic (1 of 4 stars; one submission).

Submission:

GeneDx
Classification: Likely pathogenic. Last evaluated: 2015-05-05. Review status: criteria provided, single submitter. Criteria: GeneDx Variant Classification (06012015). Collection method: clinical testing. Allele origin: germline. Affected: yes.
Comment: The A101V variant is a conservative amino acid substitution, which is not likely to impact secondary protein structure as these residues share similar properties. This substitution occurs at a position that is conserved across species. In silico analysis is inconsistent in its predictions as to whether or not the variant is damaging to the protein structure/function. Missense variants in nearby residues (G92C, I105N, R107C/G/H, G108D, S111F) have been reported in the Human Gene Mutation Database in association with SCAD (Stenson et al., 2014), supporting the functional importance of this region of the protein. Therefore, A101V is a strong candidate for a pathogenic variant, however the possibility that it is a benign variant cannot be excluded.

NM_000017.4(ACADS):c.302C>T (p.Ala101Val)

Gene: ACADS (acyl-CoA dehydrogenase short chain; plus strand). Cytogenetic location: 12q24.31.
Variant type: single nucleotide variant.
Coding change: c.302C>T on transcript NM_000017.4 (MANE Select); coding-DNA position 302, C replaced by T.
Protein change: p.Ala101Val; replaces alanine 101 with valine.
Molecular consequence: missense variant.
Genome position (GRCh38, 1-based): chr12:120,737,077, C>T. VCF-style: chr12-120737077-C-T. GRCh37 (hg19) VCF-style: chr12-121174880-C-T.
Other names: c.302C>T, p.Ala101Val (NM_001302554.2); short protein forms A101V.
Identifiers: ClinVar variation 427168 (VCV000427168.2), dbSNP rs1001298373, ClinGen allele CA244521505.